The following is an entry in ClinVar:

ClinVar aggregate classification (germline): Uncertain significance. Review status: criteria provided, multiple submitters, no conflicts (2 of 4 stars). 3 submissions from 3 submitters: Uncertain significance (3). Last evaluated 2025-10-12.

Conditions:
Hypertrophic cardiomyopathy 2. Also called: TNNT2-Related Familial Hypertrophic Cardiomyopathy. Identifiers: MedGen C1861864, MONDO:0007266, OMIM 115195.
Cardiomyopathy, familial restrictive, 3. Identifiers: Orphanet 75249, MedGen C2676271, MONDO:0012900, OMIM 612422.
Dilated cardiomyopathy 1D. Identifiers: Orphanet 154, Orphanet 54260, MedGen C1832243, MONDO:0011095, OMIM 601494.
Cardiovascular phenotype. Identifiers: MedGen CN230736.
Cardiomyopathy (CMYO). Also called: Cardiomyopathies. Identifiers: Orphanet 167848, MedGen C0878544, MONDO:0004994, HP:0001638. Inheritance: Various modes of inheritance.

Allele frequency attached by ClinVar (database versions not stated): gnomAD exomes below 0.00001; ExAC 0.00001; gnomAD 0.00001; TOPMed 0.00001.
gnomAD v4.1: 7 of 1,614,008 alleles (0.00043%); highest among the groups gnomAD compares: Non-Finnish European, 0.00059%; no homozygotes.

Submissions (3):

Labcorp Genetics (formerly Invitae), Labcorp
Classification: Uncertain significance for Cardiomyopathy, familial restrictive, 3; Hypertrophic cardiomyopathy 2; Dilated cardiomyopathy 1D. Last evaluated: 2025-10-12. Review status: criteria provided, single submitter. Criteria: Invitae Variant Classification Sherloc (09022015). Collection method: clinical testing. Allele origin: germline.
Comment: This sequence change replaces alanine, which is neutral and non-polar, with valine, which is neutral and non-polar, at codon 34 of the TNNT2 protein (p.Ala34Val). This variant is present in population databases (rs778730615, gnomAD 0.003%). This variant has not been reported in the literature in individuals affected with TNNT2-related conditions. ClinVar contains an entry for this variant (Variation ID: 1755170). Invitae Evidence Modeling of protein sequence and biophysical properties (such as structural, functional, and spatial information, amino acid conservation, physicochemical variation, residue mobility, and thermodynamic stability) indicates that this missense variant is not expected to disrupt TNNT2 protein function with a negative predictive value of 95%. In summary, the available evidence is currently insufficient to determine the role of this variant in disease. Therefore, it has been classified as a Variant of Uncertain Significance.

Color Diagnostics, LLC DBA Color Health
Classification: Uncertain significance for Cardiomyopathy. Last evaluated: 2025-07-25. Review status: criteria provided, single submitter. Criteria: ACMG Guidelines, 2015. Collection method: clinical testing. Allele origin: germline.
Comment: This missense variant replaces alanine with valine at codon 34 of the TNNT2 protein. Computational prediction is inconclusive regarding the impact of this variant on protein structure and function. To our knowledge, functional studies have not been reported for this variant. This variant has been reported in an individual affected with hypertrophic cardiomyopathy (PMID: 28771489) and in an individual affected with sudden death (PMID: 27930701). This variant has been identified in 3/251454 chromosomes in the general population by the Genome Aggregation Database (gnomAD). The available evidence is insufficient to determine the role of this variant in disease conclusively. Therefore, this variant is classified as a Variant of Uncertain Significance.

Ambry Genetics
Classification: Uncertain significance for Cardiovascular phenotype. Last evaluated: 2018-12-31. Review status: criteria provided, single submitter. Criteria: Ambry Variant Classification Scheme 2023. Collection method: clinical testing. Allele origin: germline.
Comment: The p.A34V variant (also known as c.101C>T), located in coding exon 4 of the TNNT2 gene, results from a C to T substitution at nucleotide position 101. The alanine at codon 34 is replaced by valine, an amino acid with similar properties. This alteration was detected once in a cohort of individuals who suddenly died from non violent causes (Sanchez O et al. PLoS ONE, 2016 Dec;11:e0167358). This amino acid position is well conserved in available vertebrate species. In addition, the in silico prediction for this alteration is inconclusive. Since supporting evidence is limited at this time, the clinical significance of this alteration remains unclear.

Literature cited by the submitters: PubMed 27930701 (cited by Color Diagnostics, LLC DBA Color Health and Ambry Genetics); PubMed 28771489 (cited by Color Diagnostics, LLC DBA Color Health).

NM_001276345.2(TNNT2):c.131C>T (p.Ala44Val)

Gene: TNNT2 (troponin T2, cardiac type; minus strand). Cytogenetic location: 1q32.1.
Variant type: single nucleotide variant.
Coding change: c.131C>T on transcript NM_001276345.2 (MANE Select); coding-DNA position 131, C replaced by T.
Protein change: p.Ala44Val; replaces alanine 44 with valine.
Molecular consequence: missense variant.
Genome position (GRCh38, 1-based): chr1:201,368,194, G>A on the plus strand (C>T on the coding strand, the complement: TNNT2 is on the minus strand). VCF-style: chr1-201368194-G-A. GRCh37 (hg19) VCF-style: chr1-201337322-G-A.
Other names: c.131C>T, p.Ala44Val (NM_000364.4, NM_001276346.2, NM_001406723.1); c.101C>T, p.Ala34Val (NM_001001430.3, NM_001001431.3, NM_001276347.2 and 4 more transcripts); c.86C>T, p.Ala29Val (NM_001001432.3, NM_001406728.1); short protein forms A34V, A44V, A29V.
Identifiers: ClinVar variation 1755170 (VCV001755170.5), dbSNP rs778730615, ClinGen allele CA088874.
Genomic context (GRCh38, chr1:201,368,194, plus strand): 5'-GCCCCTGCACCCTCAACCAGAGACTTACCTTCTGCCCTGGTCTCCTCGGTCTCAGCCTCT[G>A]CTTCAGCATCCTCTTCCGCTGCCTCCTCCTGCTCTGGAGAAGTGAAGCAGACAGAGTGAA-3'
Protein context (NP_001263274.1, residues 34-54): QEEAAEEDAE[Ala44Val]EAETEETRAE